The following is an entry in ClinVar:

ClinVar aggregate classification (germline): Pathogenic (1 of 4 stars; one submission).

Conditions:
Primary ciliary dyskinesia 3. Identifiers: Orphanet 244, MedGen C1837618, MONDO:0012085, OMIM 608644.

Submission:

Myriad Genetics, Inc.
Classification: Pathogenic for Primary ciliary dyskinesia 3. Last evaluated: 2024-05-14. Review status: criteria provided, single submitter. Criteria: Myriad Autosomal Dominant, Autosomal Recessive and X-Linked Classification Criteria (2023). Collection method: clinical testing. Allele origin: unknown.
Comment: NM_001369.2(DNAH5):c.11305_11306ins10(T3769Nfs*14) is expected to be pathogenic in the context of primary ciliary dyskinesia, DNAH5-related. This variant is predicted to lead to an abnormal or absent protein product due to the creation of a premature termination codon in DNAH5, a gene where loss-of-function variants are known to be pathogenic. Please note: this variant was assessed in the context of healthy population screening.

NM_001369.3(DNAH5):c.11305_11306insATGAGACTTT (p.Thr3769fs)

Genes: DNAH5 (dynein axonemal heavy chain 5; minus strand), LOC107457585 (meiotic recombination hotspot J; plus strand). Cytogenetic location: 5p15.2.
Variant type: Insertion.
Coding change: c.11305_11306insATGAGACTTT on transcript NM_001369.3 (MANE Select); coding-DNA positions 11305 to 11306, ATGAGACTTT inserted.
Protein change: p.Thr3769fs; shifts the reading frame from threonine 3769.
Molecular consequence: frameshift variant.
Genome position: GRCh38 VCF-style: chr5-13737401-G-GAAAGTCTCAT. GRCh37 (hg19) VCF-style: chr5-13737510-G-GAAAGTCTCAT.
Other names: short protein forms T3769fs.
Identifiers: ClinVar variation 5010507 (VCV005010507.1).